The following is an entry in ClinVar:

ClinVar aggregate classification (germline): Uncertain significance (1 of 4 stars; one submission).

Submission:

Ambry Genetics
Classification: Uncertain significance. Last evaluated: 2022-08-13. Review status: criteria provided, single submitter. Criteria: Ambry Variant Classification Scheme 2023. Collection method: clinical testing. Allele origin: germline.
Comment: The p.N676S variant (also known as c.2027A>G), located in coding exon 18 of the PRKDC gene, results from an A to G substitution at nucleotide position 2027. The asparagine at codon 676 is replaced by serine, an amino acid with highly similar properties. This amino acid position is conserved. In addition, this alteration is predicted to be tolerated by in silico analysis. Since supporting evidence is limited at this time, the clinical significance of this alteration remains unclear.

NM_006904.7(PRKDC):c.2027A>G (p.Asn676Ser)

Gene: PRKDC (protein kinase, DNA-activated, catalytic subunit; minus strand). Cytogenetic location: 8q11.21.
Variant type: single nucleotide variant.
Coding change: c.2027A>G on transcript NM_006904.7 (MANE Select); coding-DNA position 2027, A replaced by G.
Protein change: p.Asn676Ser; replaces asparagine 676 with serine.
Molecular consequence: missense variant.
Genome position (GRCh38, 1-based): chr8:47,929,878, T>C on the plus strand (A>G on the coding strand, the complement: PRKDC is on the minus strand). VCF-style: chr8-47929878-T-C. GRCh37 (hg19) VCF-style: chr8-48842438-T-C.
Other names: c.2027A>G, p.Asn676Ser (NM_001081640.2); short protein forms N676S.
Identifiers: ClinVar variation 1784664 (VCV001784664.2), dbSNP rs1027928996, ClinGen allele CA176164567.